The following is an entry in ClinVar:

NM_001130144.3(LTBP3):c.332-19_332-17del

Gene: LTBP3 (latent transforming growth factor beta binding protein 3; minus strand). Cytogenetic location: 11q13.1.
Variant type: Deletion.
Coding change: c.332-19_332-17del on transcript NM_001130144.3 (MANE Select); 19 bases into the intron before coding-DNA position 332 through 17 bases into the intron before coding-DNA position 332, 3 bases deleted (ACC; older notation c.332-19_332-17delACC).
Molecular consequence: intron variant.
Genome position (GRCh38, 1-based): chr11:65,554,397-65,554,399, GGT deleted on the plus strand (ACC on the coding strand, the reverse complement: LTBP3 is on the minus strand). VCF-style (leftmost placement, unchanged base first): chr11-65554396-GGGT-G. GRCh37 (hg19) VCF-style: chr11-65321867-GGGT-G.
Other names: c.-20-19_-20-17del (NM_001164266.1); c.332-19_332-17del (NM_021070.4).
Identifiers: ClinVar variation 3688928 (VCV003688928.2).

ClinVar aggregate classification (germline): Uncertain significance (1 of 4 stars; one submission).

Conditions:
Brachyolmia-amelogenesis imperfecta syndrome. Also called: Tooth agenesis, selective, 6; Dental anomalies and short stature; PLATYSPONDYLY WITH AMELOGENESIS IMPERFECTA. Identifiers: Orphanet 2899, MedGen C1832594, MONDO:0011018, OMIM 601216. Disease mechanism: loss of function.

Submission:

Labcorp Genetics (formerly Invitae), Labcorp
Classification: Uncertain significance for Brachyolmia-amelogenesis imperfecta syndrome. Last evaluated: 2024-08-13. Review status: criteria provided, single submitter. Criteria: Invitae Variant Classification Sherloc (09022015). Collection method: clinical testing. Allele origin: germline.
Comment: This sequence change falls in intron 1 of the LTBP3 gene. It does not directly change the encoded amino acid sequence of the LTBP3 protein. This variant is present in population databases (rs763766501, gnomAD 0.02%). This variant has not been reported in the literature in individuals affected with LTBP3-related conditions. Algorithms developed to predict the effect of sequence changes on RNA splicing suggest that this variant may disrupt the consensus splice site. In summary, the available evidence is currently insufficient to determine the role of this variant in disease. Therefore, it has been classified as a Variant of Uncertain Significance.